The following is an entry in ClinVar:

ClinVar aggregate classification (germline): Conflicting classifications of pathogenicity. Review status: criteria provided, conflicting classifications (1 of 4 stars). 4 submissions from 4 submitters: Uncertain significance (3); Likely benign (1). Last evaluated 2026-03-20.

Conditions:
Hereditary cancer-predisposing syndrome. Also called: Neoplastic Syndromes, Hereditary; Tumor predisposition; Hereditary neoplastic syndrome; Hereditary Cancer Syndrome. Identifiers: Orphanet 140162, MedGen C0027672, MeSH D009386, MONDO:0015356.
Hereditary breast ovarian cancer syndrome. Also called: Hereditary breast and ovarian cancer syndrome; Hereditary breast and ovarian cancer syndrome (HBOC); Breast and ovarian cancer; BRCA1- and BRCA2-Associated Hereditary Breast and Ovarian Cancer; Hereditary breast and/or ovarian cancer syndrome; Hereditary breast and ovarian cancer. Identifiers: Orphanet 145, MedGen C0677776, MeSH D061325, MONDO:0003582. Disease mechanism: loss of function.

Allele frequency attached by ClinVar (database versions not stated): TOPMed 0.00001; gnomAD exomes below 0.00001.
gnomAD v4.1: 1 of 1,585,040 alleles (0.000063%); highest among the groups gnomAD compares: East Asian, 0.0022%; no homozygotes.

Submissions (4):

Ambry Genetics
Classification: Uncertain significance for Hereditary cancer-predisposing syndrome. Last evaluated: 2026-03-20. Review status: criteria provided, single submitter. Criteria: Ambry Variant Classification Scheme 2023. Collection method: clinical testing. Allele origin: germline.
Comment: The p.R1329G variant (also known as c.3985A>G), located in coding exon 10 of the BRCA2 gene, results from an A to G substitution at nucleotide position 3985. The arginine at codon 1329 is replaced by glycine, an amino acid with dissimilar properties. This amino acid position is not well conserved in available vertebrate species. In addition, this alteration is predicted to be tolerated by in silico analysis. Based on the available evidence, the clinical significance of this variant remains unclear.

Labcorp Genetics (formerly Invitae), Labcorp
Classification: Uncertain significance for Hereditary breast ovarian cancer syndrome. Last evaluated: 2024-07-30. Review status: criteria provided, single submitter. Criteria: Invitae Variant Classification Sherloc (09022015). Collection method: clinical testing. Allele origin: germline.
Comment: This sequence change replaces arginine, which is basic and polar, with glycine, which is neutral and non-polar, at codon 1329 of the BRCA2 protein (p.Arg1329Gly). This variant is not present in population databases (gnomAD no frequency). This variant has not been reported in the literature in individuals affected with BRCA2-related conditions. ClinVar contains an entry for this variant (Variation ID: 142789). Advanced modeling of protein sequence and biophysical properties (such as structural, functional, and spatial information, amino acid conservation, physicochemical variation, residue mobility, and thermodynamic stability) performed at Invitae indicates that this missense variant is not expected to disrupt BRCA2 protein function with a negative predictive value of 95%. In summary, the available evidence is currently insufficient to determine the role of this variant in disease. Therefore, it has been classified as a Variant of Uncertain Significance.

University of Washington Department of Laboratory Medicine, University of Washington
Classification: Likely benign for Hereditary cancer-predisposing syndrome. Last evaluated: 2023-03-23. Review status: criteria provided, single submitter. Criteria: Dines et al. (Genet Med. 2020). Collection method: curation. Allele origin: germline.
Comment: Missense variant in a coldspot region where missense variants are very unlikely to be pathogenic (PMID:31911673).

BRCA2 exon 11 coldspot. Reclassification based on statistical prior probability.

Color Diagnostics, LLC DBA Color Health
Classification: Uncertain significance for Hereditary cancer-predisposing syndrome. Last evaluated: 2019-01-04. Review status: criteria provided, single submitter. Criteria: ACMG Guidelines, 2015. Collection method: clinical testing. Allele origin: germline.

NM_000059.4(BRCA2):c.3985A>G (p.Arg1329Gly)

Gene: BRCA2 (BRCA2 DNA repair associated; plus strand). Cytogenetic location: 13q13.1.
Variant type: single nucleotide variant.
Coding change: c.3985A>G on transcript NM_000059.4 (MANE Select); coding-DNA position 3985, A replaced by G.
Protein change: p.Arg1329Gly; replaces arginine 1329 with glycine.
Molecular consequence: missense variant.
Genome position (GRCh38, 1-based): chr13:32,338,340, A>G. VCF-style: chr13-32338340-A-G. GRCh37 (hg19) VCF-style: chr13-32912477-A-G.
Other names: short protein forms R1329G.
Identifiers: ClinVar variation 142789 (VCV000142789.15), dbSNP rs587782718, ClinGen allele CA019330.